The following is an entry in ClinVar:

NM_012448.4(STAT5B):c.2272G>A (p.Asp758Asn)

Gene: STAT5B (signal transducer and activator of transcription 5B; minus strand). Cytogenetic location: 17q21.2.
Variant type: single nucleotide variant.
Coding change: c.2272G>A on transcript NM_012448.4 (MANE Select); coding-DNA position 2272, G replaced by A.
Protein change: p.Asp758Asn; replaces aspartic acid 758 with asparagine.
Molecular consequence: missense variant.
Genome position (GRCh38, 1-based): chr17:42,201,830, C>T on the plus strand (G>A on the coding strand, the complement: STAT5B is on the minus strand). VCF-style: chr17-42201830-C-T. GRCh37 (hg19) VCF-style: chr17-40353848-C-T.
Other names: short protein forms D758N.
Identifiers: ClinVar variation 1017370 (VCV001017370.14), dbSNP rs1489641088, ClinGen allele CA399572730.

ClinVar aggregate classification (germline): Uncertain significance. Review status: criteria provided, multiple submitters, no conflicts (2 of 4 stars). 2 submissions from 2 submitters: Uncertain significance (2). Last evaluated 2025-11-04.

Conditions:
Growth hormone insensitivity with immune dysregulation 1, autosomal recessive. Also called: GROWTH HORMONE INSENSITIVITY SYNDROME WITH IMMUNE DYSREGULATION 1, AUTOSOMAL RECESSIVE; GROWTH HORMONE INSENSITIVITY DUE TO POSTRECEPTOR DEFECT; LARON SYNDROME DUE TO POSTRECEPTOR DEFECT; Laron syndrome with immunodeficiency. Identifiers: Orphanet 220465, MedGen C5435698, MONDO:0100211, OMIM 245590.

Allele frequency attached by ClinVar (database versions not stated): gnomAD exomes below 0.00001; TOPMed below 0.00001.
gnomAD v4.1: 5 of 1,613,906 alleles (0.00031%); highest among the groups gnomAD compares: South Asian, 0.0033%; no homozygotes.

Submissions (2):

Dasa
Classification: Uncertain significance. Last evaluated: 2025-11-04. Review status: criteria provided, single submitter. Criteria: DASA Assertion Criteria. Collection method: clinical testing. Allele origin: germline.
Comment: NM_012448.4(STAT5B):c.2272G>A (p.Asp758Asn) is a missense variant that results in the substitution of aspartic acid with asparagine. This variant is rare in population databases. The currently available literature and clinical evidence are not sufficient to establish a definitive association between this variant and the reported condition. Therefore, this variant is classified as a variant of uncertain significance.

Labcorp Genetics (formerly Invitae), Labcorp
Classification: Uncertain significance for Growth hormone insensitivity with immune dysregulation 1, autosomal recessive. Last evaluated: 2024-02-24. Review status: criteria provided, single submitter. Criteria: Invitae Variant Classification Sherloc (09022015). Collection method: clinical testing. Allele origin: germline.
Comment: This sequence change replaces aspartic acid, which is acidic and polar, with asparagine, which is neutral and polar, at codon 758 of the STAT5B protein (p.Asp758Asn). This variant is not present in population databases (gnomAD no frequency). This variant has not been reported in the literature in individuals affected with STAT5B-related conditions. ClinVar contains an entry for this variant (Variation ID: 1017370). An algorithm developed to predict the effect of missense changes on protein structure and function (PolyPhen-2) suggests that this variant is likely to be disruptive. In summary, the available evidence is currently insufficient to determine the role of this variant in disease. Therefore, it has been classified as a Variant of Uncertain Significance.